The following is an entry in ClinVar:

NM_000827.4(GRIA1):c.865A>G (p.Thr289Ala)

Gene: GRIA1 (glutamate ionotropic receptor AMPA type subunit 1; plus strand). Cytogenetic location: 5q33.2.
Variant type: single nucleotide variant.
Coding change: c.865A>G on transcript NM_000827.4 (MANE Select); coding-DNA position 865, A replaced by G.
Protein change: p.Thr289Ala; replaces threonine 289 with alanine.
Molecular consequence: missense variant. On other transcripts: non-coding transcript variant (2), intron variant (1).
Genome position (GRCh38, 1-based): chr5:153,676,997, A>G. VCF-style: chr5-153676997-A-G. GRCh37 (hg19) VCF-style: chr5-153056557-A-G.
Other names: c.865A>G, p.Thr289Ala (NM_001114183.2); c.625A>G, p.Thr209Ala (NM_001258019.2); c.580A>G, p.Thr194Ala (NM_001258020.2); c.895A>G, p.Thr299Ala (NM_001258021.2, NM_001258022.2); c.658A>G, p.Thr220Ala (NM_001258023.1, NM_001364167.2); c.892A>G, p.Thr298Ala (NM_001364166.2); c.861+2336A>G (NM_001364165.2); short protein forms T194A, T209A, T220A, T289A, T298A, T299A.
Identifiers: ClinVar variation 2572899 (VCV002572899.1), dbSNP rs533521208, ClinGen allele CA130019093.

ClinVar aggregate classification (germline): Uncertain significance (1 of 4 stars; one submission).

Allele frequency attached by ClinVar (database versions not stated): gnomAD 0.00001; gnomAD exomes 0.00001.
gnomAD v4.1: 4 of 1,427,806 alleles (0.00028%); highest among the groups gnomAD compares: Non-Finnish European, 0.00037%; no homozygotes.

Submission:

GeneDx
Classification: Uncertain significance. Last evaluated: 2023-01-16. Review status: criteria provided, single submitter. Criteria: GeneDx Variant Classification Process June 2021. Collection method: clinical testing. Allele origin: germline. Affected: yes.
Comment: In silico analysis supports that this missense variant has a deleterious effect on protein structure/function; Has not been previously published as pathogenic or benign to our knowledge